The following is an entry in ClinVar:

NM_006236.3(POU3F3):c.305C>T (p.Pro102Leu)

Gene: POU3F3 (POU class 3 homeobox 3; plus strand). Cytogenetic location: 2q12.1.
Variant type: single nucleotide variant.
Coding change: c.305C>T on transcript NM_006236.3 (MANE Select); coding-DNA position 305, C replaced by T.
Protein change: p.Pro102Leu; replaces proline 102 with leucine.
Molecular consequence: missense variant.
Genome position (GRCh38, 1-based): chr2:104,855,815, C>T. VCF-style: chr2-104855815-C-T. GRCh37 (hg19) VCF-style: chr2-105472273-C-T.
Other names: short protein forms P102L.
Identifiers: ClinVar variation 522124 (VCV000522124.5), dbSNP rs1553426334, ClinGen allele CA348096463.
Genomic context (GRCh38, chr2:104,855,815, plus strand): 5'-TGGCCGCCAGCAACGGCGGCCATATGCTGAGCCACGCGCACCAGTGGGTCACAGCCCTGC[C>T]CCACGCCGCCGCCGCCGCCGCCGCTGCCGCCGCCGCCGCCGTGGAGGCGAGCTCGCCGTG-3'
Protein context (NP_006227.1, residues 92-112): SHAHQWVTAL[Pro102Leu]HAAAAAAAAA

ClinVar aggregate classification (germline): Uncertain significance (1 of 4 stars; one submission).

Conditions:
Inborn genetic diseases. Identifiers: MedGen C0950123, MeSH D030342.

Submission:

Ambry Genetics
Classification: Uncertain significance for Inborn genetic diseases. Last evaluated: 2020-01-30. Review status: criteria provided, single submitter. Criteria: Ambry Variant Classification Scheme 2023. Collection method: clinical testing. Allele origin: germline.
Comment: The alteration results in an amino acid change:_x000D_ _x000D_ The c.305C>T (p.P102L) alteration is located in coding exon 1 of the POU3F3 gene. This alteration results from a C to T substitution at nucleotide position 305, causing the proline (P) at amino acid position 102 to be replaced by a leucine (L). The alteration is not observed in population databases: _x000D_ _x000D_ Based on data from the Genome Aggregation Database (gnomAD), the POU3F3 c.305C>T alteration was not observed, with coverage at this position. The altered amino acid is conserved throughout evolution:_x000D_ _x000D_ The p.P102 amino acid is somewhat conserved in available vertebrate species on limited sequence alignment. The alteration is predicted tolerated by in silico modeling:_x000D_ _x000D_ The p.P102L alteration is predicted to be tolerated by in silico analysis. Based on insufficient or conflicting evidence, the clinical significance of this alteration remains unclear.